The following is an entry in ClinVar:

ClinVar aggregate classification (germline): Benign/Likely benign. Review status: criteria provided, multiple submitters, no conflicts (2 of 4 stars). 13 submissions from 11 submitters: Benign (10); Likely benign (2). 1 of the submissions does not count toward it. Last evaluated 2026-06-19.

Conditions:
Usher syndrome type 1 (USH1). Also called: RETINITIS PIGMENTOSA AND CONGENITAL DEAFNESS. Identifiers: Orphanet 231169, Orphanet 886, MedGen C1568247, MONDO:0010168, OMIM 276900.
Usher syndrome type 1D (USH1D). Also called: USHER SYNDROME, TYPE ID. Identifiers: Orphanet 231169, Orphanet 886, MedGen C1832845, MONDO:0010984, OMIM 601067.
Autosomal recessive nonsyndromic hearing loss 12. Also called: DEAFNESS, AUTOSOMAL RECESSIVE 12. Identifiers: Orphanet 90636, MedGen C1832394, MONDO:0011067, OMIM 601386.

Allele frequency attached by ClinVar (database versions not stated): gnomAD 0.10970 and 0.10990; 1000 Genomes Project 0.08087; TOPMed 0.10637; ESP Exome Variant Server 0.11600; 1000 Genomes Project 30x 0.08245; gnomAD exomes 0.11054; ExAC 0.11414.
gnomAD v4.1: 186,385 of 1,612,096 alleles (12%); highest among the groups gnomAD compares: Middle Eastern, 22%; 11,796 homozygotes.

Submissions (13):

Women's Health and Genetics/Laboratory Corporation of America, LabCorp
Classification: Benign. Last evaluated: 2026-06-19. Review status: criteria provided, single submitter. Criteria: LabCorp Variant Classification Summary - May 2015. Collection method: clinical testing. Allele origin: germline.

Labcorp Genetics (formerly Invitae), Labcorp
Classification: Benign. Last evaluated: 2026-02-04. Review status: criteria provided, single submitter. Criteria: Invitae Variant Classification Sherloc (09022015). Collection method: clinical testing. Allele origin: germline.

Genome-Nilou Lab
Classification: Benign for Usher syndrome type 1D. Last evaluated: 2021-07-01. Review status: criteria provided, single submitter. Criteria: ACMG Guidelines, 2015. Collection method: clinical testing. Allele origin: germline. Affected: no.

Genome-Nilou Lab
Classification: Benign for Autosomal recessive nonsyndromic hearing loss 12. Last evaluated: 2021-07-01. Review status: criteria provided, single submitter. Criteria: ACMG Guidelines, 2015. Collection method: clinical testing. Allele origin: germline. Affected: no.

Mayo Clinic Laboratories, Mayo Clinic
Classification: Benign. Last evaluated: 2019-06-24. Review status: criteria provided, single submitter. Criteria: ACMG Guidelines, 2015. Collection method: clinical testing. Allele origin: germline. Observed: 30 variant alleles.

Illumina Laboratory Services, Illumina
Classification: Benign for Usher syndrome type 1D. Last evaluated: 2018-01-13. Review status: criteria provided, single submitter. Criteria: ICSL Variant Classification Criteria 13 December 2019. Collection method: clinical testing. Allele origin: germline.
Comment: This variant was observed in the ICSL laboratory as part of a predisposition screen in an ostensibly healthy population. It had not been previously curated by ICSL or reported in the Human Gene Mutation Database (HGMD: prior to June 1st, 2018), and was therefore a candidate for classification through an automated scoring system. Utilizing variant allele frequency, disease prevalence and penetrance estimates, and inheritance mode, an automated score was calculated to assess if this variant is too frequent to cause the disease. Based on the score and internal cut-off values, a variant classified as benign is not then subjected to further curation. The score for this variant resulted in a classification of benign for this disease.

Illumina Laboratory Services, Illumina
Classification: Likely benign for Autosomal recessive nonsyndromic hearing loss 12. Last evaluated: 2018-01-13. Review status: criteria provided, single submitter. Criteria: ICSL Variant Classification Criteria 13 December 2019. Collection method: clinical testing. Allele origin: germline.
Comment: This variant was observed in the ICSL laboratory as part of a predisposition screen in an ostensibly healthy population. It had not been previously curated by ICSL or reported in the Human Gene Mutation Database (HGMD: prior to June 1st, 2018), and was therefore a candidate for classification through an automated scoring system. Utilizing variant allele frequency, disease prevalence and penetrance estimates, and inheritance mode, an automated score was calculated to assess if this variant is too frequent to cause the disease. Based on the score and internal cut-off values, a variant classified as likely benign is not then subjected to further curation. The score for this variant resulted in a classification of likely benign for this disease.

GeneDx
Classification: Benign. Last evaluated: 2015-03-03. Review status: criteria provided, single submitter. Criteria: GeneDx Variant Classification Process June 2021. Collection method: clinical testing. Allele origin: germline. Affected: yes.

Eurofins Ntd Llc (ga)
Classification: Benign. Last evaluated: 2013-12-27. Review status: criteria provided, single submitter. Criteria: EGL Classification Definitions 2015. Collection method: clinical testing. Allele origin: germline. Observed: 1 variant allele, 1 heterozygote.

Laboratory for Molecular Medicine, Mass General Brigham Personalized Medicine
Classification: Benign. Last evaluated: 2009-06-12. Review status: criteria provided, single submitter. Criteria: LMM Criteria. Collection method: clinical testing. Allele origin: germline. Observed: 499 variant alleles.

Breakthrough Genomics
Classification: Likely benign. Review status: criteria provided, single submitter. Criteria: ACMG Guidelines, 2015. Collection method: not provided. Allele origin: germline. Inheritance: Autosomal recessive inheritance. Affected: yes.

PreventionGenetics, part of Exact Sciences
Classification: Benign. Review status: criteria provided, single submitter. Criteria: ACMG Guidelines, 2015. Collection method: clinical testing. Allele origin: germline.

Natera, Inc.
Classification: Benign for Usher syndrome type 1. Last evaluated: 2020-09-16. Review status: no assertion criteria provided. Collection method: clinical testing. Allele origin: germline. Not counted in ClinVar's aggregate classification.

NM_022124.6(CDH23):c.8895C>T (p.Pro2965=)

Gene: CDH23 (cadherin related 23; plus strand). Cytogenetic location: 10q22.1.
Variant type: single nucleotide variant.
Coding change: c.8895C>T on transcript NM_022124.6 (MANE Select); coding-DNA position 8895, C replaced by T.
Protein change: p.Pro2965=; no amino-acid change (proline 2965 retained).
Molecular consequence: synonymous variant.
Genome position (GRCh38, 1-based): chr10:71,809,992, C>T. VCF-style: chr10-71809992-C-T. GRCh37 (hg19) VCF-style: chr10-73569749-C-T.
Other names: p.Pro2965=; c.2175C>T, p.Pro725= (NM_001171933.1, NM_001171934.1).
Identifiers: ClinVar variation 46058 (VCV000046058.28), dbSNP rs11000009, ClinGen allele CA137613.